The following is an entry in ClinVar:

NM_152618.3(BBS12):c.1604T>C (p.Val535Ala)

Gene: BBS12 (Bardet-Biedl syndrome 12; plus strand). Cytogenetic location: 4q27.
Variant type: single nucleotide variant.
Coding change: c.1604T>C on transcript NM_152618.3 (MANE Select); coding-DNA position 1604, T replaced by C.
Protein change: p.Val535Ala; replaces valine 535 with alanine.
Molecular consequence: missense variant.
Genome position (GRCh38, 1-based): chr4:122,743,496, T>C. VCF-style: chr4-122743496-T-C. GRCh37 (hg19) VCF-style: chr4-123664651-T-C.
Other names: c.1604T>C, p.Val535Ala (NM_001178007.2); short protein forms V535A.
Identifiers: ClinVar variation 2038295 (VCV002038295.2), dbSNP rs201513398, ClinGen allele CA105249217.
Genomic context (GRCh38, chr4:122,743,496, plus strand): 5'-AAGAAGATAGGTTCTGGACATGTGCCTATCGTTTGTATTATGCTCTAAAAGAGGAAAAGG[T>C]CTTCCTTGGAGGTGGTGCAGTTGAATTTTTGTGTCTTAGCTGTCTTCATATTCTTGCAGA-3'
Protein context (NP_689831.2, residues 525-545): RLYYALKEEK[Val535Ala]FLGGGAVEFL

ClinVar aggregate classification (germline): Uncertain significance (1 of 4 stars; one submission).

Conditions:
Bardet-Biedl syndrome (BBS). Identifiers: Orphanet 110, MedGen C0752166, MONDO:0015229.

Allele frequency attached by ClinVar (database versions not stated): gnomAD exomes below 0.00001; gnomAD 0.00001; 1000 Genomes Project 30x 0.00016; 1000 Genomes Project 0.00020.
gnomAD v4.1: 4 of 1,614,210 alleles (0.00025%); highest among the groups gnomAD compares: Admixed American, 0.0017%; no homozygotes.

Submission:

Labcorp Genetics (formerly Invitae), Labcorp
Classification: Uncertain significance for Bardet-Biedl syndrome. Last evaluated: 2022-07-01. Review status: criteria provided, single submitter. Criteria: Invitae Variant Classification Sherloc (09022015). Collection method: clinical testing. Allele origin: germline.
Comment: This variant is not present in population databases (gnomAD no frequency). This sequence change replaces valine, which is neutral and non-polar, with alanine, which is neutral and non-polar, at codon 535 of the BBS12 protein (p.Val535Ala). This variant has not been reported in the literature in individuals affected with BBS12-related conditions. In summary, the available evidence is currently insufficient to determine the role of this variant in disease. Therefore, it has been classified as a Variant of Uncertain Significance. Algorithms developed to predict the effect of missense changes on protein structure and function (SIFT, PolyPhen-2, Align-GVGD) all suggest that this variant is likely to be disruptive.